The following is an entry in ClinVar:

NC_000005.9:g.(?_125885611)_(125930890_?)dup

Gene: ALDH7A1 (aldehyde dehydrogenase 7 family member A1; minus strand). Cytogenetic location: 5q23.2.
Variant type: Duplication.
Identifiers: ClinVar variation 1467579 (VCV001467579.5).

ClinVar aggregate classification (germline): Uncertain significance (1 of 4 stars; one submission).

Conditions:
Pyridoxine-dependent epilepsy (EPEO4). Also called: Pyridoxine-Dependent Seizures; Pyridoxine-Dependent Epilepsy - ALDH7A1; PYRIDOXINE DEPENDENCY WITH SEIZURES; EPILEPSY, EARLY-ONSET, 4, VITAMIN B6-DEPENDENT. Identifiers: Orphanet 3006, MedGen C1849508, MONDO:0009945, OMIM 266100. Disease mechanism: loss of function.

Submission:

Labcorp Genetics (formerly Invitae), Labcorp
Classification: Uncertain significance for Pyridoxine-dependent epilepsy. Last evaluated: 2020-11-17. Review status: criteria provided, single submitter. Criteria: Invitae Variant Classification Sherloc (09022015). Collection method: clinical testing. Allele origin: germline.
Comment: In summary, the available evidence is currently insufficient to determine the role of this variant in disease. Therefore, it has been classified as a Variant of Uncertain Significance. Experimental studies and prediction algorithms are not available or were not evaluated, and the functional significance of this variant is currently unknown. This variant has not been reported in the literature in individuals with ALDH7A1-related conditions. This variant results in a copy number gain of the genomic region encompassing exon(s) 1-16 of the ALDH7A1 gene. This region includes the initiator codon of the gene. The 5' end of this event is unknown as it extends beyond the assayed region for this gene and therefore may encompass additional genes. The 3' boundary is likely confined to intron 16 of the ALDH7A1 gene. As the precise location of this event is unknown, it may be in tandem or it may be located elsewhere in the genome.